The following is an entry in ClinVar:

ClinVar aggregate classification (germline): Uncertain significance (1 of 4 stars; one submission).

Conditions:
Hereditary cancer-predisposing syndrome. Also called: Hereditary Cancer Syndrome; Hereditary neoplastic syndrome; Neoplastic Syndromes, Hereditary; Tumor predisposition. Identifiers: Orphanet 140162, MedGen C0027672, MeSH D009386, MONDO:0015356.

Submission:

Ambry Genetics
Classification: Uncertain significance for Hereditary cancer-predisposing syndrome. Last evaluated: 2025-05-12. Review status: criteria provided, single submitter. Criteria: Ambry Variant Classification Scheme 2023. Collection method: clinical testing. Allele origin: germline.
Comment: The p.W41C variant (also known as c.123G>C), located in coding exon 2 of the NF2 gene, results from a G to C substitution at nucleotide position 123. The tryptophan at codon 41 is replaced by cysteine, an amino acid with highly dissimilar properties. This amino acid position is highly conserved in available vertebrate species. In addition, the in silico prediction for this alteration is inconclusive. Based on the available evidence, the clinical significance of this variant remains unclear.

NM_000268.4(NF2):c.123G>C (p.Trp41Cys)

Gene: NF2 (NF2, moesin-ezrin-radixin like (MERLIN) tumor suppressor; plus strand). Cytogenetic location: 22q12.2.
Variant type: single nucleotide variant.
Coding change: c.123G>C on transcript NM_000268.4 (MANE Select); coding-DNA position 123, G replaced by C.
Protein change: p.Trp41Cys; replaces tryptophan 41 with cysteine.
Molecular consequence: missense variant. On other transcripts: 5 prime UTR variant (2), intron variant (6).
Genome position (GRCh38, 1-based): chr22:29,636,759, G>C. VCF-style: chr22-29636759-G-C. GRCh37 (hg19) VCF-style: chr22-30032748-G-C.
Other names: c.9G>C, p.Trp3Cys (NM_001407053.1, NM_001407056.1); c.123G>C, p.Trp41Cys (NM_001407054.1, NM_001407057.1, NM_001407058.1 and 9 more transcripts); c.-518G>C (NM_001407065.1); c.-134G>C (NM_001407067.1); c.115-2331G>C (NM_181828.3, NM_001407055.1); c.115-5443G>C (NM_001407063.1, NM_181830.3, NM_001407064.1 and 1 more transcripts); short protein forms W41C, W3C.
Identifiers: ClinVar variation 3919144 (VCV003919144.1).